The following is an entry in ClinVar:

ClinVar aggregate classification (germline): Benign (1 of 4 stars; one submission).

Conditions:
Leigh syndrome (NULS). Also called: Leigh's necrotizing encephalopathy; Leigh's disease; Leigh's syndrome; LEIGH SYNDROME, NUCLEAR; Leigh Syndrome (mtDNA deletion); Leigh Disease. Identifiers: Orphanet 506, MedGen C2931891, MONDO:0009723, OMIM 256000.

Submission:

Wong Mito Lab, Molecular and Human Genetics, Baylor College of Medicine
Classification: Benign for Leigh syndrome. Last evaluated: 2019-10-17. Review status: criteria provided, single submitter. Criteria: Modified ACMG Guidelines (Unpublished). Collection method: clinical testing. Allele origin: germline.
Comment: The NC_012920.1:m.14552A>G (YP_003024037.1:p.Val41Ala) variant in MTND6 gene is interpretated to be a Benign variant based on the modified ACMG guidelines (unpublished). This variant meets the following evidence codes: BS1, BS2, BP4

NC_012920.1(MT-ND6):m.14552A>G

Gene: MT-ND6 (mitochondrially encoded NADH dehydrogenase 6; minus strand).
Variant type: single nucleotide variant.
Genome position: chrM-14552-A-G.
Identifiers: ClinVar variation 693734 (VCV000693734.1), dbSNP rs1556424459, ClinGen allele CA414823009.
Genomic context (GRCh38, chrMT:14,552, plus strand): 5'-CCTAAATAAATTAAAAAAACTATTAAACCCATATAACCTCCCCCAAAATTCAGAATAATA[A>G]CACACCCGACCACACCGCTAACAATCAATACTAAACCCCCATAAATAGGAGAAGGCTTAG-3'